The following is an entry in ClinVar:

ClinVar aggregate classification (germline): Benign/Likely benign. Review status: criteria provided, multiple submitters, no conflicts (2 of 4 stars). 4 submissions from 4 submitters: Benign (1); Likely benign (2). 1 of the submissions does not count toward it. Last evaluated 2025-12-22.

Conditions:
MED13L-related disorder. Also called: MED13L-related condition.
Dextro-looped transposition of the great arteries. Also called: Dextrotransposition of the great arteries. Identifiers: Orphanet 860, MedGen C3531771, MONDO:0019443, OMIM 608808, HP:0031348.

Allele frequency attached by ClinVar (database versions not stated): gnomAD 0.00004 and 0.00051; TOPMed 0.00011; gnomAD exomes 0.00097 and 0.00189; ExAC 0.00212; 1000 Genomes Project 0.00339; 1000 Genomes Project 30x 0.00344.
gnomAD v4.1: 1,509 of 1,614,178 alleles (0.093%); highest among the groups gnomAD compares: South Asian, 1.5%; 20 homozygotes.

Submissions (4):

Labcorp Genetics (formerly Invitae), Labcorp
Classification: Benign for Dextro-looped transposition of the great arteries. Last evaluated: 2025-12-22. Review status: criteria provided, single submitter. Criteria: Invitae Variant Classification Sherloc (09022015). Collection method: clinical testing. Allele origin: germline.

GeneDx
Classification: Likely benign. Last evaluated: 2020-12-21. Review status: criteria provided, single submitter. Criteria: GeneDx Variant Classification Process June 2021. Collection method: clinical testing. Allele origin: germline. Affected: yes.

Breakthrough Genomics
Classification: Likely benign. Review status: criteria provided, single submitter. Criteria: ACMG Guidelines, 2015. Collection method: not provided. Allele origin: germline. Inheritance: Autosomal dominant inheritance. Affected: yes.

PreventionGenetics, part of Exact Sciences
Classification: Likely benign for MED13L-related condition. Last evaluated: 2019-04-01. Review status: no assertion criteria provided. Collection method: clinical testing. Allele origin: germline. Not counted in ClinVar's aggregate classification.
Comment: This variant is classified as likely benign based on ACMG/AMP sequence variant interpretation guidelines (Richards et al. 2015 PMID: 25741868, with internal and published modifications).

NM_015335.5(MED13L):c.3435C>T (p.Val1145=)

Gene: MED13L (mediator complex subunit 13L; minus strand). Cytogenetic location: 12q24.21.
Variant type: single nucleotide variant.
Coding change: c.3435C>T on transcript NM_015335.5 (MANE Select); coding-DNA position 3435, C replaced by T.
Protein change: p.Val1145=; no amino-acid change (valine 1145 retained).
Molecular consequence: synonymous variant.
Genome position (GRCh38, 1-based): chr12:115,991,519, G>A on the plus strand (C>T on the coding strand, the complement: MED13L is on the minus strand). VCF-style: chr12-115991519-G-A. GRCh37 (hg19) VCF-style: chr12-116429324-G-A.
Identifiers: ClinVar variation 1212784 (VCV001212784.11), dbSNP rs568906108, ClinGen allele CA6810979.